The following is an entry in ClinVar:

ClinVar aggregate classification (germline): Uncertain significance (1 of 4 stars; one submission).

Conditions:
Cenani-Lenz syndactyly syndrome. Also called: SYNDACTYLY, TYPE VII; CENANI SYNDACTYLISM. Identifiers: Orphanet 3258, MedGen C1859309, MONDO:0008931, OMIM 212780.
Sclerosteosis 2 (SOST2). Identifiers: Orphanet 3152, MedGen C3280402, MONDO:0013679, OMIM 614305.
Congenital myasthenic syndrome 17. Identifiers: Orphanet 590, MedGen C4225377, MONDO:0014578, OMIM 616304.

Submission:

Labcorp Genetics (formerly Invitae), Labcorp
Classification: Uncertain significance for Cenani-Lenz syndactyly syndrome; Sclerosteosis 2; Congenital myasthenic syndrome 17. Last evaluated: 2022-03-20. Review status: criteria provided, single submitter. Criteria: Invitae Variant Classification Sherloc (09022015). Collection method: clinical testing. Allele origin: germline.
Comment: This sequence change replaces isoleucine, which is neutral and non-polar, with valine, which is neutral and non-polar, at codon 1034 of the LRP4 protein (p.Ile1034Val). This variant is not present in population databases (gnomAD no frequency). This variant has not been reported in the literature in individuals affected with LRP4-related conditions. Algorithms developed to predict the effect of missense changes on protein structure and function (SIFT, PolyPhen-2, Align-GVGD) all suggest that this variant is likely to be tolerated. In summary, the available evidence is currently insufficient to determine the role of this variant in disease. Therefore, it has been classified as a Variant of Uncertain Significance.

NM_002334.4(LRP4):c.3100A>G (p.Ile1034Val)

Gene: LRP4 (LDL receptor related protein 4; minus strand). Cytogenetic location: 11p11.2.
Variant type: single nucleotide variant.
Coding change: c.3100A>G on transcript NM_002334.4 (MANE Select); coding-DNA position 3100, A replaced by G.
Protein change: p.Ile1034Val; replaces isoleucine 1034 with valine.
Molecular consequence: missense variant.
Genome position (GRCh38, 1-based): chr11:46,878,943, T>C on the plus strand (A>G on the coding strand, the complement: LRP4 is on the minus strand). VCF-style: chr11-46878943-T-C. GRCh37 (hg19) VCF-style: chr11-46900494-T-C.
Other names: short protein forms I1034V.
Identifiers: ClinVar variation 2110456 (VCV002110456.4), dbSNP rs200596882, ClinGen allele CA221630525.
Genomic context (GRCh38, chr11:46,878,943, plus strand): 5'-TAGATCTGTGATGCTTTCACTCACCTGGTGAGCAGGTCTTGCCATCAGACAGCAGGTTGA[T>C]GCCTGTGGGGCAGGTACAGCTGAATCCGCTTGGATTTGGGGACCTAAGACACAGGTGGCT-3'
Protein context (NP_002325.2, residues 1024-1044): SGFSCTCPTG[Ile1034Val]NLLSDGKTCS